The following is an entry in ClinVar:

NM_006231.4(POLE):c.6398_6407del (p.Val2133fs)

Gene: POLE (DNA polymerase epsilon, catalytic subunit; minus strand). Cytogenetic location: 12q24.33.
Variant type: Deletion.
Coding change: c.6398_6407del on transcript NM_006231.4 (MANE Select); coding-DNA positions 6398 to 6407, 10 bases deleted (TGGATGTCGG; older notation c.6398_6407delTGGATGTCGG).
Protein change: p.Val2133fs; shifts the reading frame from valine 2133.
Molecular consequence: frameshift variant.
Genome position (GRCh38, 1-based): chr12:132,626,241-132,626,250, CCGACATCCA deleted on the plus strand (TGGATGTCGG on the coding strand, the reverse complement: POLE is on the minus strand); deleting any 10 consecutive bases within chr12:132,626,241-132,626,252 gives the same sequence; the c. name uses the placement nearest the transcript's 3' end. VCF-style (leftmost placement, unchanged base first): chr12-132626240-GCCGACATCCA-G. GRCh37 (hg19) VCF-style: chr12-133202826-GCCGACATCCA-G.
Other names: short protein forms V2133fs.
Identifiers: ClinVar variation 1676477 (VCV001676477.3), dbSNP rs2138431829, ClinGen allele CA2573148139.

ClinVar aggregate classification (germline): Likely pathogenic (1 of 4 stars; one submission).

Conditions:
Intrauterine growth retardation, metaphyseal dysplasia, adrenal hypoplasia congenita, genital anomalies, and immunodeficiency. Also called: IMAGEI SYNDROME. Identifiers: MedGen C5193036, MONDO:0032684, OMIM 618336.

Submission:

Greenwood Genetic Center Diagnostic Laboratories, Greenwood Genetic Center
Classification: Likely pathogenic for Intrauterine growth retardation, metaphyseal dysplasia, adrenal hypoplasia congenita, genital anomalies, and immunodeficiency. Last evaluated: 2022-03-09. Review status: criteria provided, single submitter. Criteria: ACMG Guidelines, 2015. Collection method: clinical testing. Allele origin: germline. Affected: yes.
Comment: PVS1 PM2